The following is an entry in ClinVar:

NM_007194.4(CHEK2):c.276C>A (p.Pro92=)

Gene: CHEK2 (checkpoint kinase 2; minus strand). Cytogenetic location: 22q12.1.
Variant type: single nucleotide variant.
Coding change: c.276C>A on transcript NM_007194.4 (MANE Select); coding-DNA position 276, C replaced by A.
Protein change: p.Pro92=; no amino-acid change (proline 92 retained).
Molecular consequence: synonymous variant.
Genome position (GRCh38, 1-based): chr22:28,734,446, G>T on the plus strand (C>A on the coding strand, the complement: CHEK2 is on the minus strand). VCF-style: chr22-28734446-G-T. GRCh37 (hg19) VCF-style: chr22-29130434-G-T.
Other names: c.276C>A, p.Pro92= (NM_001005735.3, NM_001349956.3, NM_145862.3); c.-502C>A (NM_001257387.3).
Identifiers: ClinVar variation 3772778 (VCV003772778.1).

ClinVar aggregate classification (germline): Benign (1 of 4 stars; one submission).

Conditions:
Familial cancer of breast. Also called: Hereditary breast cancer; BREAST CANCER, FAMILIAL; hereditary breast carcinoma. Identifiers: Orphanet 227535, MedGen C0346153, MONDO:0016419, OMIM 114480. Disease mechanism: loss of function.

Submission:

Myriad Genetics, Inc.
Classification: Benign for Familial cancer of breast. Last evaluated: 2024-10-02. Review status: criteria provided, single submitter. Criteria: Myriad Autosomal Dominant, Autosomal Recessive and X-Linked Classification Criteria (2023). Collection method: clinical testing. Allele origin: unknown.
Comment: This variant is considered benign. This variant is a silent/synonymous amino acid change and it is not expected to impact splicing.